The following is an entry in ClinVar:

NM_138694.4(PKHD1):c.12198C>T (p.His4066=)

Gene: PKHD1 (PKHD1 ciliary IPT domain containing fibrocystin/polyductin; minus strand). Cytogenetic location: 6p12.3.
Variant type: single nucleotide variant.
Coding change: c.12198C>T on transcript NM_138694.4 (MANE Select); coding-DNA position 12198, C replaced by T.
Protein change: p.His4066=; no amino-acid change (histidine 4066 retained).
Molecular consequence: synonymous variant.
Genome position (GRCh38, 1-based): chr6:51,619,108, G>A on the plus strand (C>T on the coding strand, the complement: PKHD1 is on the minus strand). VCF-style: chr6-51619108-G-A. GRCh37 (hg19) VCF-style: chr6-51483906-G-A.
Identifiers: ClinVar variation 501329 (VCV000501329.19), dbSNP rs147051900, ClinGen allele CA3850599.

ClinVar aggregate classification (germline): Conflicting classifications of pathogenicity. Review status: criteria provided, conflicting classifications (1 of 4 stars). 5 submissions from 5 submitters: Uncertain significance (1); Likely benign (2). 2 of the submissions do not count toward it. Last evaluated 2026-01-28.

Conditions:
PKHD1-related disorder. Also called: PKHD1-related condition.
Autosomal recessive polycystic kidney disease (ARPKD). Also called: AR polycystic kidney disease. Identifiers: Orphanet 731, Orphanet 8378, MedGen C0085548, MeSH D017044, MONDO:0009889.

Allele frequency attached by ClinVar (database versions not stated): gnomAD exomes 0.00003 and 0.00009; ExAC 0.00012; 1000 Genomes Project 30x 0.00016; 1000 Genomes Project 0.00020; gnomAD 0.00036 and 0.00039; TOPMed 0.00037; ESP Exome Variant Server 0.00038.
gnomAD v4.1: 106 of 1,614,218 alleles (0.0066%); highest among the groups gnomAD compares: African/African-American, 0.12%; no homozygotes.

Submissions (5):

Labcorp Genetics (formerly Invitae), Labcorp
Classification: Likely benign for Autosomal recessive polycystic kidney disease. Last evaluated: 2026-01-28. Review status: criteria provided, single submitter. Criteria: Invitae Variant Classification Sherloc (09022015). Collection method: clinical testing. Allele origin: germline.

Blueprint Genetics
Classification: Likely benign. Last evaluated: 2021-09-10. Review status: criteria provided, single submitter. Criteria: ACMG Guidelines, 2015. Collection method: clinical testing. Allele origin: germline.

Eurofins Ntd Llc (ga)
Classification: Uncertain significance. Last evaluated: 2018-02-23. Review status: criteria provided, single submitter. Criteria: EGL ClinVar v180209 classification definitions. Collection method: clinical testing. Allele origin: germline. Observed: 5 variant alleles, 5 heterozygotes.

PreventionGenetics, part of Exact Sciences
Classification: Likely benign for PKHD1-related condition. Last evaluated: 2019-07-17. Review status: no assertion criteria provided. Collection method: clinical testing. Allele origin: germline. Not counted in ClinVar's aggregate classification.
Comment: This variant is classified as likely benign based on ACMG/AMP sequence variant interpretation guidelines (Richards et al. 2015 PMID: 25741868, with internal and published modifications).

Natera, Inc.
Classification: Uncertain significance for Autosomal recessive polycystic kidney disease. Last evaluated: 2019-06-21. Review status: no assertion criteria provided. Collection method: clinical testing. Allele origin: germline. Not counted in ClinVar's aggregate classification.